The following is an entry in ClinVar:

NM_001287.6(CLCN7):c.2332-1G>T

Gene: CLCN7 (chloride voltage-gated channel 7; minus strand). Cytogenetic location: 16p13.3.
Variant type: single nucleotide variant.
Coding change: c.2332-1G>T on transcript NM_001287.6 (MANE Select); the canonical splice acceptor site of the intron before coding-DNA position 2332, G replaced by T.
Molecular consequence: splice acceptor variant.
Genome position (GRCh38, 1-based): chr16:1,446,718, C>A on the plus strand (G>T on the coding strand, the complement: CLCN7 is on the minus strand). VCF-style: chr16-1446718-C-A. GRCh37 (hg19) VCF-style: chr16-1496719-C-A.
Other names: c.2260-1G>T (NM_001114331.3).
Identifiers: ClinVar variation 2016173 (VCV002016173.4), dbSNP rs2505810029, ClinGen allele CA394184994.
Genomic context (GRCh38, chr16:1,446,718, plus strand): 5'-CAAGCCTCTCTTTCCCAGGCGGTACCTGGCGAGGTCCTTCCTGGTCACCAACCCGACAAC[C>A]TGCAGGACAAGTCCAGGCCACAGTGACACACGGGTCGGCTCCCGCCTGCCTGTGGAGCTC-3'

ClinVar aggregate classification (germline): Uncertain significance (1 of 4 stars; one submission).

Allele frequency attached by ClinVar (database versions not stated): gnomAD exomes below 0.00001.
gnomAD v4.1: 1 of 1,581,870 alleles (0.000063%); highest among the groups gnomAD compares: Non-Finnish European, 0.000086%; no homozygotes.

Submission:

Labcorp Genetics (formerly Invitae), Labcorp
Classification: Uncertain significance. Last evaluated: 2022-07-14. Review status: criteria provided, single submitter. Criteria: Invitae Variant Classification Sherloc (09022015). Collection method: clinical testing. Allele origin: germline.
Comment: In summary, the available evidence is currently insufficient to determine the role of this variant in disease. Therefore, it has been classified as a Variant of Uncertain Significance. This sequence change affects an acceptor splice site in intron 24 of the CLCN7 gene. While this variant is not anticipated to result in nonsense mediated decay, it likely alters RNA splicing and results in a disrupted protein product. This variant is not present in population databases (gnomAD no frequency). Disruption of this splice site has been observed in individual(s) with clinical features of osteopetrosis (PMID: 31085352). Variants that disrupt the consensus splice site are a relatively common cause of aberrant splicing (PMID: 17576681, 9536098). Algorithms developed to predict the effect of sequence changes on RNA splicing suggest that this variant may disrupt the consensus splice site.

Literature cited by the submitters: PubMed 31085352; PubMed 17576681; PubMed 9536098.